The following is an entry in ClinVar:

ClinVar aggregate classification (germline): Uncertain significance (1 of 4 stars; one submission).

Conditions:
Peroxisome biogenesis disorder 10B. Identifiers: MedGen C4479254, MONDO:0054549, OMIM 617370.

Submission:

Baylor Genetics
Classification: Uncertain significance for Peroxisome biogenesis disorder 10B. Last evaluated: 2019-11-05. Review status: criteria provided, single submitter. Criteria: ACMG Guidelines, 2015. Collection method: clinical testing. Allele origin: unknown. Affected: yes.
Comment: This variant was determined to be of uncertain significance according to ACMG Guidelines, 2015 [PMID:25741868].

NM_003630.3(PEX3):c.16T>C (p.Trp6Arg)

Gene: PEX3 (peroxisomal biogenesis factor 3; plus strand). Cytogenetic location: 6q24.2.
Variant type: single nucleotide variant.
Coding change: c.16T>C on transcript NM_003630.3 (MANE Select); coding-DNA position 16, T replaced by C.
Protein change: p.Trp6Arg; replaces tryptophan 6 with arginine.
Molecular consequence: missense variant.
Genome position (GRCh38, 1-based): chr6:143,451,058, T>C. VCF-style: chr6-143451058-T-C. GRCh37 (hg19) VCF-style: chr6-143772195-T-C.
Other names: short protein forms W6R.
Identifiers: ClinVar variation 1029735 (VCV001029735.1), dbSNP rs769405267, ClinGen allele CA149050226.